The following is an entry in ClinVar:

ClinVar aggregate classification (germline): Uncertain significance (1 of 4 stars; one submission).

Conditions:
Cardiovascular phenotype. Identifiers: MedGen CN230736.

Submission:

Ambry Genetics
Classification: Uncertain significance for Cardiovascular phenotype. Last evaluated: 2026-02-26. Review status: criteria provided, single submitter. Criteria: Ambry Variant Classification Scheme 2023. Collection method: clinical testing. Allele origin: germline.
Comment: The p.P675R variant (also known as c.2024C>G), located in coding exon 16 of the MYH7 gene, results from a C to G substitution at nucleotide position 2024. The proline at codon 675 is replaced by arginine, an amino acid with dissimilar properties. This amino acid position is highly conserved in available vertebrate species. In addition, this alteration is predicted to be deleterious by in silico analysis. Based on the available evidence, the clinical significance of this variant remains unclear.

NM_000257.4(MYH7):c.2024C>G (p.Pro675Arg)

Gene: MYH7 (myosin heavy chain 7; minus strand). Cytogenetic location: 14q11.2.
Variant type: single nucleotide variant.
Coding change: c.2024C>G on transcript NM_000257.4 (MANE Select); coding-DNA position 2024, C replaced by G.
Protein change: p.Pro675Arg; replaces proline 675 with arginine.
Molecular consequence: missense variant.
Genome position (GRCh38, 1-based): chr14:23,426,797, G>C on the plus strand (C>G on the coding strand, the complement: MYH7 is on the minus strand). VCF-style: chr14-23426797-G-C. GRCh37 (hg19) VCF-style: chr14-23896006-G-C.
Other names: c.2024C>G, p.Pro675Arg (NM_001407004.1); short protein forms P675R.
Identifiers: ClinVar variation 2563047 (VCV002563047.3), dbSNP rs2138670181, ClinGen allele CA389049298.